The following is an entry in ClinVar:

NM_016599.5(MYOZ2):c.141A>T (p.Leu47Phe)

Gene: MYOZ2 (myozenin 2; plus strand). Cytogenetic location: 4q26.
Variant type: single nucleotide variant.
Coding change: c.141A>T on transcript NM_016599.5 (MANE Select); coding-DNA position 141, A replaced by T.
Protein change: p.Leu47Phe; replaces leucine 47 with phenylalanine.
Molecular consequence: missense variant.
Genome position (GRCh38, 1-based): chr4:119,150,936, A>T. VCF-style: chr4-119150936-A-T. GRCh37 (hg19) VCF-style: chr4-120072091-A-T.
Other names: short protein forms L47F.
Identifiers: ClinVar variation 2449419 (VCV002449419.2), dbSNP rs1578729937, ClinGen allele CA358203529.
Genomic context (GRCh38, chr4:119,150,936, plus strand): 5'-TGATGGCATGGACCTGGGCAAAAAGGTCAGCATCCCCAGAGACATCATGTTGGAAGAATT[A>T]TCCCATCTCAGTAACCGTGGTGCCAGGCTATTTAAGATGCGTCAAAGAAGATCTGACAAA-3'
Protein context (NP_057683.1, residues 37-57): SIPRDIMLEE[Leu47Phe]SHLSNRGARL

ClinVar aggregate classification (germline): Uncertain significance (1 of 4 stars; one submission).

Conditions:
Cardiovascular phenotype. Identifiers: MedGen CN230736.

Submission:

Ambry Genetics
Classification: Uncertain significance for Cardiovascular phenotype. Last evaluated: 2023-02-12. Review status: criteria provided, single submitter. Criteria: Ambry Variant Classification Scheme 2023. Collection method: clinical testing. Allele origin: germline.
Comment: The p.L47F variant (also known as c.141A>T), located in coding exon 2 of the MYOZ2 gene, results from an A to T substitution at nucleotide position 141. The leucine at codon 47 is replaced by phenylalanine, an amino acid with highly similar properties. This amino acid position is conserved. In addition, this alteration is predicted to be deleterious by in silico analysis. Since supporting evidence is limited at this time, the clinical significance of this alteration remains unclear.